The following is an entry in ClinVar:

ClinVar aggregate classification (germline): Pathogenic (1 of 4 stars; one submission).

Submission:

Labcorp Genetics (formerly Invitae), Labcorp
Classification: Pathogenic. Last evaluated: 2024-01-30. Review status: criteria provided, single submitter. Criteria: Invitae Variant Classification Sherloc (09022015). Collection method: clinical testing. Allele origin: germline.
Comment: This variant is a gross deletion of the genomic region encompassing exon(s) 3-9 of the TANGO2 gene, which includes the termination codon. This deletion extends beyond the assayed region for this gene and therefore may encompass additional genes. While this deletion is not anticipated to lead to nonsense mediated decay, it is expected to alter mRNA translation or result in a truncated protein product. A similar copy number variant has been observed in individuals with rhabdomyolysis, metabolic crisis, and cardiac abnormalities (PMID: 26805781, 26805782). For these reasons, this variant has been classified as Pathogenic.

Literature cited by the submitters: PubMed 26805781; PubMed 26805782.

NC_000022.10:g.(?_20030858)_(20052185_?)del

Gene: TANGO2 (transport and golgi organization 2 homolog; plus strand). Cytogenetic location: 22q11.21.
Variant type: Deletion.
Identifiers: ClinVar variation 1456250 (VCV001456250.5).